The following is an entry in ClinVar:

ClinVar aggregate classification (germline): Pathogenic. Review status: criteria provided, multiple submitters, no conflicts (2 of 4 stars). 5 submissions from 5 submitters: Pathogenic (4). 1 of the submissions does not count toward it. Last evaluated 2026-01-16.

Conditions:
Cerebrooculofacioskeletal syndrome 3 (COFS3). Identifiers: MedGen C1851443, MONDO:0014696, OMIM 616570.
ERCC5-related disorders.

Allele frequency attached by ClinVar (database versions not stated): gnomAD 0.00003.

Submissions (5):

Dasa
Classification: Pathogenic. Last evaluated: 2026-01-16. Review status: criteria provided, single submitter. Criteria: DASA Assertion Criteria. Collection method: clinical testing. Allele origin: germline.
Comment: NM_000123.4(ERCC5):c.1096C>T (p.Arg366*) introduces a premature termination codon predicted to result in loss of normal protein function. Loss-of-function is an established mechanism of disease for this gene. This variant has been observed in affected individuals with related phenotype in a genotype context consistent with recessive disease (PMID: 40626125; PMID: 31767986; PMID: 33766032). This variant has been recurrently observed in individuals with related phenotype (PMID: 40626125; PMID: 31767986; PMID: 33766032). The variant is present at low frequency in population datasets. Based on the available data, this variant is classified as pathogenic.

GeneDx
Classification: Pathogenic. Last evaluated: 2024-12-02. Review status: criteria provided, single submitter. Criteria: GeneDx Variant Classification Process June 2021. Collection method: clinical testing. Allele origin: germline. Affected: yes.
Comment: Nonsense variant predicted to result in protein truncation or nonsense mediated decay in a gene for which loss of function is a known mechanism of disease; This variant is associated with the following publications: (PMID: 38259611, 31767986, 32333414, 33766032)

Blueprint Genetics
Classification: Pathogenic for ERCC5-related disorders. Last evaluated: 2023-12-05. Review status: criteria provided, single submitter. Criteria: ACMG Guidelines, 2015. Collection method: clinical testing. Allele origin: germline. Affected: yes. Observed: 3 variant alleles.

3billion
Classification: Pathogenic for Cerebrooculofacioskeletal syndrome 3. Last evaluated: 2023-09-03. Review status: criteria provided, single submitter. Criteria: ACMG Guidelines, 2015. Collection method: clinical testing. Allele origin: germline. Affected: yes.
Comment: The variant is observed at an extremely low frequency in the gnomAD v2.1.1 dataset (total allele frequency: 0.002%). Predicted Consequence/Location: Stop-gained (nonsense): predicted to result in a loss or disruption of normal protein function through nonsense-mediated decay (NMD) or protein truncation. Multiple pathogenic variants are reported downstream of the variant. The variant has been reported to be associated with ERCC5 related disorder (PMID: 32333414). However, the evidence of pathogenicity is insufficient at this time. Therefore, this variant is classified as Pathogenic according to the recommendation of ACMG/AMP guideline.

Department of Pathology and Laboratory Medicine, Sinai Health System
Classification: Likely pathogenic. Review status: no assertion criteria provided. Collection method: clinical testing. Allele origin: unknown. Affected: yes. Study: The Canadian Open Genetics Repository (COGR). Not counted in ClinVar's aggregate classification.
Comment: The ERCC5 p.R366* variant was not identified in the literature nor was it identified in ClinVar.Â¬â€ The variant was identified in dbSNP (ID: rs966111552) and in control databases in 5 of 282436 chromosomes at a frequency of 0.00001770 (Genome Aggregation Database March 6, 2019, v2.1.1).Â¬â€ The variant occurs outside of the splicing consensus sequence and in silico or computational prediction software programs (Splice AI exome) do not predict a difference in splicing. The c.1096C>T variant leads to a premature stop codon at position 366 which is predicted to lead to a truncated or absent protein and loss of function. Loss of function variants of the ERCC5 gene are an established mechanism of disease in autosomal recessive xeroderma pigmentosum and is the type of variant expected to cause the disorder when found in the heterozygous or compound heterozygous state.Â¬â€ In summary, based on the above information the clinical significance of this variant cannot be determined with certainty at this time although we would lean towards a more pathogenic role for this variant. This variant is classified as likely pathogenic.

Literature cited by the submitters: PubMed 40626125 (cited by Dasa); PubMed 31767986 (cited by Dasa); PubMed 33766032 (cited by Dasa); PubMed 32333414 (cited by 3billion).

NM_000123.4(ERCC5):c.1096C>T (p.Arg366Ter)

Genes: BIVM-ERCC5 (BIVM-ERCC5 readthrough; plus strand), ERCC5 (ERCC excision repair 5, endonuclease; plus strand). Cytogenetic location: 13q33.1.
Variant type: single nucleotide variant.
Coding change: c.1096C>T on transcript NM_000123.4 (MANE Select); coding-DNA position 1096, C replaced by T.
Protein change: p.Arg366Ter; replaces arginine 366 with a stop codon.
Molecular consequence: nonsense.
Genome position (GRCh38, 1-based): chr13:102,862,245, C>T. VCF-style: chr13-102862245-C-T. GRCh37 (hg19) VCF-style: chr13-103514595-C-T.
Other names: c.2458C>T, p.Arg820Ter (NM_001204425.2); short protein forms R366*, R820*.
Identifiers: ClinVar variation 1049176 (VCV001049176.5), dbSNP rs966111552, ClinGen allele CA388572010.